The following is an entry in ClinVar:

NM_001723.7(DST):c.7001A>G (p.Lys2334Arg)

Gene: DST (dystonin; minus strand). Cytogenetic location: 6p12.1.
Variant type: single nucleotide variant.
Coding change: c.7001A>G on transcript NM_001723.7 (MANE Plus Clinical); coding-DNA position 7001, A replaced by G.
Protein change: p.Lys2334Arg; replaces lysine 2334 with arginine.
Molecular consequence: missense variant. On other transcripts: intron variant (10).
Genome position (GRCh38, 1-based): chr6:56,616,466, T>C on the plus strand (A>G on the coding strand, the complement: DST is on the minus strand). VCF-style: chr6-56616466-T-C. GRCh37 (hg19) VCF-style: chr6-56481264-T-C.
Other names: c.4831-1982A>G (NM_001144769.5); c.4930-1982A>G (NM_001374722.1, NM_001374736.1); c.4957-1982A>G (NM_001374734.1); c.4417-1982A>G (NM_001144770.2); c.4297-1982A>G (NM_001374730.1, NM_001386100.1, NM_183380.4 and 1 more transcripts); c.3319-1982A>G (NM_015548.5); short protein forms K2334R.
Identifiers: ClinVar variation 665068 (VCV000665068.8), dbSNP rs759306858, ClinGen allele CA3870050.
Genomic context (GRCh38, chr6:56,616,466, plus strand): 5'-TCATACACGGTCAATTCTGATCCTGTTTTAGTATCTACTACAGAAATTCTATGTGTTTTC[T>C]TGACATTGAGATTGGAAATGTTCCTCTCCCCAAATGGAAACAGAAAGCATTGGGACTCTA-3'
Protein context (NP_001714.1, residues 2324-2344): GERNISNLNV[Lys2334Arg]KTHRISVVDT

ClinVar aggregate classification (germline): Uncertain significance. Review status: criteria provided, multiple submitters, no conflicts (2 of 4 stars). 3 submissions from 3 submitters: Uncertain significance (3). Last evaluated 2025-03-26.

Conditions:
Epidermolysis bullosa simplex 3, localized or generalized intermediate, with BP230 deficiency (EBS3). Also called: Epidermolysis bullosa simplex due to BP230 deficiency; Epidermolysis bullosa simplex, autosomal recessive 2. Identifiers: Orphanet 412181, MedGen C3809470, MONDO:0014180, OMIM 615425.
Hereditary sensory and autonomic neuropathy type 6. Also called: HSAN VI; Neuropathy, hereditary sensory and autonomic, type VI. Identifiers: Orphanet 314381, MedGen C3539003, MONDO:0013839, OMIM 614653.

Allele frequency attached by ClinVar (database versions not stated): ExAC 0.00004; gnomAD exomes 0.00004 and 0.00014; gnomAD 0.00005 and 0.00006; TOPMed 0.00008.
gnomAD v4.1: 216 of 1,614,036 alleles (0.013%); highest among the groups gnomAD compares: Non-Finnish European, 0.017%; no homozygotes.

Submissions (3):

Women's Health and Genetics/Laboratory Corporation of America, LabCorp
Classification: Uncertain significance. Last evaluated: 2025-03-26. Review status: criteria provided, single submitter. Criteria: LabCorp Variant Classification Summary - May 2015. Collection method: clinical testing. Allele origin: germline.
Comment: Variant summary: DST c.7001A>G (p.Lys2334Arg) results in a conservative amino acid change in the encoded protein sequence. Three of four in-silico tools predict a benign effect of the variant on protein function. The variant allele was found at a frequency of 4.4e-05 in 251142 control chromosomes (gnomAD). This frequency is not significantly higher than estimated for a pathogenic variant in DST causing Epidermolysis bullosa simplex 3, localized or generalized intermediate, with BP230 deficiency (4.4e-05 vs 0.0011), allowing no conclusion about variant significance. To our knowledge, no occurrence of c.7001A>G in individuals affected with Epidermolysis bullosa simplex 3, localized or generalized intermediate, with BP230 deficiency and no experimental evidence demonstrating its impact on protein function have been reported. ClinVar contains an entry for this variant (Variation ID: 665068). Based on the evidence outlined above, the variant was classified as uncertain significance.

GeneDx
Classification: Uncertain significance. Last evaluated: 2025-02-13. Review status: criteria provided, single submitter. Criteria: GeneDx Variant Classification Process June 2021. Collection method: clinical testing. Allele origin: germline. Affected: yes.
Comment: In silico analysis indicates that this missense variant does not alter protein structure/function; Has not been previously published as pathogenic or benign to our knowledge; Reported using the transcript encoding the epithelial isoform of the gene

Labcorp Genetics (formerly Invitae), Labcorp
Classification: Uncertain significance for Epidermolysis bullosa simplex 3, localized or generalized intermediate, with BP230 deficiency; Hereditary sensory and autonomic neuropathy type 6. Last evaluated: 2022-10-24. Review status: criteria provided, single submitter. Criteria: Invitae Variant Classification Sherloc (09022015). Collection method: clinical testing. Allele origin: germline.
Comment: This sequence change replaces lysine, which is basic and polar, with arginine, which is basic and polar, at codon 2334 of the DST protein (p.Lys2334Arg). This variant is present in population databases (rs759306858, gnomAD 0.009%). This variant has not been reported in the literature in individuals affected with DST-related conditions. ClinVar contains an entry for this variant (Variation ID: 665068). Algorithms developed to predict the effect of missense changes on protein structure and function (SIFT, PolyPhen-2, Align-GVGD) all suggest that this variant is likely to be tolerated. In summary, the available evidence is currently insufficient to determine the role of this variant in disease. Therefore, it has been classified as a Variant of Uncertain Significance.